The following is an entry in ClinVar:

ClinVar aggregate classification (germline): Uncertain significance (1 of 4 stars; one submission).

Conditions:
Pseudohypoparathyroidism type 1B (PHP1B). Also called: Pseudohypoparathyroidism Type IB; PHP IB; Pseudohypoparathyroidism Ib (PHP-Ib). Identifiers: Orphanet 94089, MedGen C1864100, MONDO:0011301, OMIM 603233.

Submission:

Johns Hopkins Genomics, Johns Hopkins University
Classification: Uncertain significance for Pseudohypoparathyroidism type 1B. Last evaluated: 2019-01-23. Review status: criteria provided, single submitter. Criteria: ACMG Guidelines, 2015. Collection method: clinical testing. Allele origin: germline.
Comment: This GNAS variant is absent from large population datasets and has not been reported in the literature to our knowledge. Bioinformatic analysis predicts that this in-frame duplication variant would not affect normal exon 12 splicing, although this has not been confirmed experimentally to our knowledge. Due to insufficient evidence, the clinical significance of c.1030_1032dupGAG is uncertain at this time.

NM_000516.7(GNAS):c.1030_1032dup (p.Glu344dup)

Gene: GNAS (GNAS complex locus; plus strand). Cytogenetic location: 20q13.32.
Variant type: Duplication.
Coding change: c.1030_1032dup on transcript NM_000516.7 (MANE Select); coding-DNA positions 1030 to 1032, 3 bases duplicated (GAG; older notation c.1030_1032dupGAG).
Protein change: p.Glu344dup; duplicates glutamic acid 344.
Molecular consequence: inframe insertion. On other transcripts: 3 prime UTR variant (2).
Genome position (GRCh38, 1-based): chr20:58,910,393-58,910,395, GAG duplicated. VCF-style (leftmost placement, unchanged base first): chr20-58910392-T-TGAG. GRCh37 (hg19) VCF-style: chr20-57485447-T-TGAG.
Other names: c.1030_1032dupGAG (NM_000516.5); c.1033_1035dup, p.Glu345dup (NM_001077488.5); c.985_987dup, p.Glu329dup (NM_001077489.4); c.*891_*893dup (NM_001077490.3); c.853_855dup, p.Glu285dup (NM_001309840.2, NM_001309861.2); c.*936_*938dup (NM_016592.5); c.2959_2961dup, p.Glu987dup (NM_080425.4); c.988_990dup, p.Glu330dup (NM_080426.4).
Identifiers: ClinVar variation 619213 (VCV000619213.1), dbSNP rs1569031518, ClinGen allele CA913190377.